The following is an entry in ClinVar:

ClinVar aggregate classification (germline): Uncertain significance (1 of 4 stars; one submission).

Allele frequency attached by ClinVar (database versions not stated): gnomAD exomes below 0.00001; TOPMed below 0.00001.
gnomAD v4.1: 1 of 1,555,656 alleles (0.000064%); highest among the groups gnomAD compares: Non-Finnish European, 0.000087%; no homozygotes.

Submission:

GeneDx
Classification: Uncertain significance. Last evaluated: 2021-06-10. Review status: criteria provided, single submitter. Criteria: GeneDx Variant Classification Process June 2021. Collection method: clinical testing. Allele origin: germline. Affected: yes.
Comment: Not observed at significant frequency in large population cohorts (Lek et al., 2016); Located in the triple helical region; In silico analysis supports that this missense variant has a deleterious effect on splicing; Has not been previously published as pathogenic or benign to our knowledge; This variant is associated with the following publications: (PMID: 27535533)

NM_000090.4(COL3A1):c.1608G>T (p.Arg536Ser)

Gene: COL3A1 (collagen type III alpha 1 chain; plus strand). Cytogenetic location: 2q32.2.
Variant type: single nucleotide variant.
Coding change: c.1608G>T on transcript NM_000090.4 (MANE Select); coding-DNA position 1608, G replaced by T.
Protein change: p.Arg536Ser; replaces arginine 536 with serine.
Molecular consequence: missense variant.
Genome position (GRCh38, 1-based): chr2:188,995,790, G>T. VCF-style: chr2-188995790-G-T. GRCh37 (hg19) VCF-style: chr2-189860516-G-T.
Other names: short protein forms R536S.
Identifiers: ClinVar variation 1327893 (VCV001327893.2), dbSNP rs1309672419, ClinGen allele CA349852325.
Genomic context (GRCh38, chr2:188,995,790, plus strand): 5'-GCCCAGAGGAGCTGCTGGAGAACCTGGCAGAGATGGCGTCCCTGGAGGTCCAGGAATGAG[G>T]GTACAGAGAAACATTTGTTTGAATGACACTTTAATTTAGACAGAAGAAAGGCAAGACAAA-3'
Protein context (NP_000081.2, residues 526-546): RDGVPGGPGM[Arg536Ser]GMPGSPGGPG